The following is an entry in ClinVar:

NM_001009944.3(PKD1):c.11385G>T (p.Trp3795Cys)

Genes: PKD1 (polycystin 1, transient receptor potential channel interacting; minus strand), PKD1-AS1 (PKD1 antisense RNA 1; plus strand). Cytogenetic location: 16p13.3.
Variant type: single nucleotide variant.
Coding change: c.11385G>T on transcript NM_001009944.3 (MANE Select); coding-DNA position 11385, G replaced by T.
Protein change: p.Trp3795Cys; replaces tryptophan 3795 with cysteine.
Molecular consequence: missense variant.
Genome position (GRCh38, 1-based): chr16:2,092,073, C>A on the plus strand (G>T on the coding strand, the complement: PKD1 is on the minus strand). VCF-style: chr16-2092073-C-A. GRCh37 (hg19) VCF-style: chr16-2142074-C-A.
Other names: c.11382G>T, p.Trp3794Cys (NM_000296.4); short protein forms W3794C, W3795C.
Identifiers: ClinVar variation 2663727 (VCV002663727.2), dbSNP rs2544624559, ClinGen allele CA394333915.

ClinVar aggregate classification (germline): Uncertain significance. Review status: criteria provided, multiple submitters, no conflicts (2 of 4 stars). 2 submissions from 2 submitters: Uncertain significance (2). Last evaluated 2023-04-03.

Submissions (2):

GeneDx
Classification: Uncertain significance. Last evaluated: 2023-04-03. Review status: criteria provided, single submitter. Criteria: GeneDx Variant Classification Process June 2021. Collection method: clinical testing. Allele origin: germline. Affected: yes.
Comment: Not observed at significant frequency in large population cohorts (gnomAD); In silico analysis supports that this missense variant has a deleterious effect on protein structure/function; Has not been previously published as pathogenic or benign to our knowledge

Blueprint Genetics
Classification: Uncertain significance. Last evaluated: 2022-10-05. Review status: criteria provided, single submitter. Criteria: ACMG Guidelines, 2015. Collection method: clinical testing. Allele origin: germline.